The following is an entry in ClinVar:

NM_001005337.3(PKP1):c.1834+6G>A

Gene: PKP1 (plakophilin 1; plus strand). Cytogenetic location: 1q32.1.
Variant type: single nucleotide variant.
Coding change: c.1834+6G>A on transcript NM_001005337.3 (MANE Select); 6 bases into the intron after coding-DNA position 1834, G replaced by A.
Molecular consequence: intron variant.
Genome position (GRCh38, 1-based): chr1:201,324,587, G>A. VCF-style: chr1-201324587-G-A. GRCh37 (hg19) VCF-style: chr1-201293715-G-A.
Other names: c.1897+6G>A (NM_000299.4).
Identifiers: ClinVar variation 721808 (VCV000721808.13), dbSNP rs200344171, ClinGen allele CA1324610.

ClinVar aggregate classification (germline): Benign/Likely benign. Review status: criteria provided, multiple submitters, no conflicts (2 of 4 stars). 3 submissions from 3 submitters: Benign (1); Likely benign (1). 1 of the submissions does not count toward it. Last evaluated 2025-09-06.

Conditions:
PKP1-related disorder. Also called: PKP1-related condition.

Allele frequency attached by ClinVar (database versions not stated): ExAC 0.00072; 1000 Genomes Project 0.00180; gnomAD 0.00214 and 0.00237; 1000 Genomes Project 30x 0.00219; TOPMed 0.00246; ESP Exome Variant Server 0.00284.

Submissions (3):

Labcorp Genetics (formerly Invitae), Labcorp
Classification: Benign. Last evaluated: 2025-09-06. Review status: criteria provided, single submitter. Criteria: Invitae Variant Classification Sherloc (09022015). Collection method: clinical testing. Allele origin: germline.

Blueprint Genetics
Classification: Likely benign. Last evaluated: 2024-11-11. Review status: criteria provided, single submitter. Criteria: ACMG Guidelines, 2015. Collection method: clinical testing. Allele origin: germline.

PreventionGenetics, part of Exact Sciences
Classification: Benign for PKP1-related condition. Last evaluated: 2019-12-20. Review status: no assertion criteria provided. Collection method: clinical testing. Allele origin: germline. Not counted in ClinVar's aggregate classification.
Comment: This variant is classified as benign based on ACMG/AMP sequence variant interpretation guidelines (Richards et al. 2015 PMID: 25741868, with internal and published modifications).